The following is an entry in ClinVar:

ClinVar aggregate classification (germline): Uncertain significance (1 of 4 stars; one submission).

Conditions:
Oligosynaptic infertility (SPGF1). Also called: SPERMATOGENIC FAILURE 1; OLIGOCHIASMATIC INFERTILITY. Identifiers: MedGen C0403810, MONDO:0009776, OMIM 258150.
46 XY differences of sex development. Also called: 46, XY disorder of sex development (DSD); 46,XY disorder of sex development. Identifiers: Orphanet 98085, MedGen C2751824, MONDO:0020040.

Submission:

Labcorp Genetics (formerly Invitae), Labcorp
Classification: Uncertain significance for 46 XY differences of sex development; Oligosynaptic infertility. Last evaluated: 2022-01-19. Review status: criteria provided, single submitter. Criteria: Invitae Variant Classification Sherloc (09022015). Collection method: clinical testing. Allele origin: germline.
Comment: In summary, the available evidence is currently insufficient to determine the role of this variant in disease. Therefore, it has been classified as a Variant of Uncertain Significance. Algorithms developed to predict the effect of missense changes on protein structure and function output the following: SIFT: "Tolerated"; PolyPhen-2: "Benign"; Align-GVGD: "Class C0". The alanine amino acid residue is found in multiple mammalian species, which suggests that this missense change does not adversely affect protein function. This variant has not been reported in the literature in individuals affected with NR5A1-related conditions. This variant is not present in population databases (gnomAD no frequency). This sequence change replaces threonine, which is neutral and polar, with alanine, which is neutral and non-polar, at codon 252 of the NR5A1 protein (p.Thr252Ala).

NM_004959.5(NR5A1):c.754A>G (p.Thr252Ala)

Gene: NR5A1 (nuclear receptor subfamily 5 group A member 1; minus strand). Cytogenetic location: 9q33.3.
Variant type: single nucleotide variant.
Coding change: c.754A>G on transcript NM_004959.5 (MANE Select); coding-DNA position 754, A replaced by G.
Protein change: p.Thr252Ala; replaces threonine 252 with alanine.
Molecular consequence: missense variant.
Genome position (GRCh38, 1-based): chr9:124,500,206, T>C on the plus strand (A>G on the coding strand, the complement: NR5A1 is on the minus strand). VCF-style: chr9-124500206-T-C. GRCh37 (hg19) VCF-style: chr9-127262485-T-C.
Other names: short protein forms T252A.
Identifiers: ClinVar variation 2185511 (VCV002185511.4), dbSNP rs766248393, ClinGen allele CA374885761.